The following is an entry in ClinVar:

NM_000292.3(PHKA2):c.1188G>A (p.Gly396=)

Gene: PHKA2 (phosphorylase kinase regulatory subunit alpha 2; minus strand). Cytogenetic location: Xp22.13.
Variant type: single nucleotide variant.
Coding change: c.1188G>A on transcript NM_000292.3 (MANE Select); coding-DNA position 1188, G replaced by A.
Protein change: p.Gly396=; no amino-acid change (glycine 396 retained).
Molecular consequence: synonymous variant.
Genome position (GRCh38, 1-based): chrX:18,931,698, C>T on the plus strand (G>A on the coding strand, the complement: PHKA2 is on the minus strand). VCF-style: chrX-18931698-C-T. GRCh37 (hg19) VCF-style: chrX-18949816-C-T.
Identifiers: ClinVar variation 3048063 (VCV003048063.4), dbSNP rs1376777836, ClinGen allele CA515483775.
Genomic context (GRCh38, chrX:18,931,698, plus strand): 5'-TACCTCTGCCAACAGCGAGCTGAGGATGTACAAGGATTGGCCCCACAGATGAGGCACCTT[C>T]CCCATAGGAACTCGGTCTACTGTGTGAGGATTCTTGTACTCTTCATCTACCTGGAAAGAG-3'
Protein context (NP_000283.1, residues 386-406): NPHTVDRVPM[Gly396=]KVPHLWGQSL

ClinVar aggregate classification (germline): Likely benign. Review status: criteria provided, single submitter (1 of 4 stars). 2 submissions from 2 submitters: Likely benign (1). 1 of the submissions does not count toward it. Last evaluated 2026-01-17.

Conditions:
PHKA2-related disorder. Also called: PHKA2-related condition.
Glycogen storage disease IXa1. Also called: Glycogen storage disease 8; LIVER GLYCOGENOSIS, X-LINKED, TYPE I; GLYCOGEN STORAGE DISEASE VIII; GSD VIII. Identifiers: Orphanet 264580, MedGen C3694531, MONDO:0010598, OMIM 306000.

Allele frequency attached by ClinVar (database versions not stated): gnomAD 0.00001; TOPMed 0.00005.
gnomAD v4.1: 10 of 1,205,256 alleles (0.00083%); highest among the groups gnomAD compares: African/African-American, 0.0018%; no homozygotes.

Submissions (2):

Labcorp Genetics (formerly Invitae), Labcorp
Classification: Likely benign for Glycogen storage disease IXa1. Last evaluated: 2026-01-17. Review status: criteria provided, single submitter. Criteria: Invitae Variant Classification Sherloc (09022015). Collection method: clinical testing. Allele origin: germline.

PreventionGenetics, part of Exact Sciences
Classification: Likely benign for PHKA2-related condition. Last evaluated: 2022-06-28. Review status: no assertion criteria provided. Collection method: clinical testing. Allele origin: germline. Not counted in ClinVar's aggregate classification.
Comment: This variant is classified as likely benign based on ACMG/AMP sequence variant interpretation guidelines (Richards et al. 2015 PMID: 25741868, with internal and published modifications).